The following is an entry in ClinVar:

ClinVar aggregate classification (germline): Conflicting classifications of pathogenicity. Review status: criteria provided, conflicting classifications (1 of 4 stars). 15 submissions from 11 submitters: Uncertain significance (8); Benign (2); Likely benign (5). Last evaluated 2025-10-06.

Conditions:
Cardiovascular phenotype. Identifiers: MedGen CN230736.
TTN-related disorder. Also called: TTN-related disorders; TTN-related condition; TTN-related disease.
Dilated cardiomyopathy 1G (CMD1G). Identifiers: Orphanet 154, MedGen C1858763, MONDO:0011400, OMIM 604145.
Autosomal recessive limb-girdle muscular dystrophy type 2J (LGMDR10). Also called: Limb-girdle muscular dystrophy, type 2J; MUSCULAR DYSTROPHY, LIMB-GIRDLE, AUTOSOMAL RECESSIVE 10. Identifiers: Orphanet 140922, MedGen C1837342, MONDO:0012127, OMIM 608807.
Cardiomyopathy (CMYO). Also called: Cardiomyopathies. Identifiers: Orphanet 167848, MedGen C0878544, MONDO:0004994, HP:0001638. Inheritance: Various modes of inheritance.
Tibial muscular dystrophy (TMD). Also called: UDD MYOPATHY; Tibial muscular dystrophy, tardive; Udd Distal Myopathy – Tibial Muscular Dystrophy. Identifiers: Orphanet 609, MedGen C1838244, MONDO:0010870, OMIM 600334.
Early-onset myopathy with fatal cardiomyopathy (CMYO5). Also called: CONGENITAL MYOPATHY 5 WITH CARDIOMYOPATHY; Salih Myopathy. Identifiers: Orphanet 289377, MedGen C2673677, MONDO:0012714, OMIM 611705. Disease mechanism: loss of function.
Myopathy, myofibrillar, 9, with early respiratory failure (MFM9). Also called: Hereditary myopathy with early respiratory failure; MYOPATHY, PROXIMAL, WITH EARLY RESPIRATORY MUSCLE INVOLVEMENT; EDSTROM MYOPATHY; Myopathy, distal, with early respiratory failure, autosomal dominant. Identifiers: Orphanet 178464, Orphanet 34521, MedGen C1863599, MONDO:0011362, OMIM 603689.

Allele frequency attached by ClinVar (database versions not stated): gnomAD 0.00009 and 0.00010; TOPMed 0.00010; gnomAD exomes 0.00012; ExAC 0.00016; ESP Exome Variant Server 0.00017.
gnomAD v4.1: 273 of 1,613,838 alleles (0.017%); highest among the groups gnomAD compares: Non-Finnish European, 0.022%; no homozygotes.

Submissions (15):

PreventionGenetics, part of Exact Sciences
Classification: Uncertain significance for TTN-related condition. Last evaluated: 2025-10-06. Review status: criteria provided, single submitter. Criteria: ACMG Guidelines, 2015. Collection method: clinical testing. Allele origin: germline.
Comment: The TTN c.106820C>T variant is predicted to result in the amino acid substitution p.Ala35607Val. This variant has been reported in an individual with dilated cardiomyopathy (Table S4, Franaszczyk et al. 2017. PubMed ID: 28045975). This variant is reported in 0.023% of alleles in individuals of European (Non-Finnish) descent in gnomAD. Although we suspect that this variant may be benign, at this time, the clinical significance of this variant is uncertain due to the absence of conclusive functional and genetic evidence.

CeGaT Center for Human Genetics Tuebingen
Classification: Uncertain significance. Last evaluated: 2025-07-01. Review status: criteria provided, single submitter. Criteria: CeGaT Center For Human Genetics Tuebingen Variant Classification Criteria Version 2. Collection method: clinical testing. Allele origin: germline. Affected: yes. Observed: 1 variant allele.
Comment: TTN: PM2, BP4

Blueprint Genetics
Classification: Likely benign. Last evaluated: 2023-07-18. Review status: criteria provided, single submitter. Criteria: ACMG Guidelines, 2015. Collection method: clinical testing. Allele origin: germline.

Revvity Omics, Revvity
Classification: Uncertain significance. Last evaluated: 2022-09-27. Review status: criteria provided, single submitter. Criteria: ACMG Guidelines, 2015. Collection method: clinical testing. Allele origin: germline.

CHEO Genetics Diagnostic Laboratory, Children's Hospital of Eastern Ontario
Classification: Likely benign for Cardiomyopathy. Last evaluated: 2022-02-24. Review status: criteria provided, single submitter. Criteria: ACMG Guidelines, 2015. Collection method: clinical testing. Allele origin: germline.

GeneDx
Classification: Likely benign. Last evaluated: 2020-08-14. Review status: criteria provided, single submitter. Criteria: GeneDx Variant Classification Process June 2021. Collection method: clinical testing. Allele origin: germline. Affected: yes.

Ambry Genetics
Classification: Likely benign for Cardiovascular phenotype. Last evaluated: 2019-08-27. Review status: criteria provided, single submitter. Criteria: Ambry Variant Classification Scheme 2023. Collection method: clinical testing. Allele origin: germline.

Illumina Laboratory Services, Illumina
Classification: Uncertain significance for Early-onset myopathy with fatal cardiomyopathy. Last evaluated: 2018-01-12. Review status: criteria provided, single submitter. Criteria: ICSL Variant Classification Criteria 13 December 2019. Collection method: clinical testing. Allele origin: germline.

Illumina Laboratory Services, Illumina
Classification: Benign for Tibial muscular dystrophy. Last evaluated: 2018-01-12. Review status: criteria provided, single submitter. Criteria: ICSL Variant Classification Criteria 13 December 2019. Collection method: clinical testing. Allele origin: germline.
Comment: This variant was observed in the ICSL laboratory as part of a predisposition screen in an ostensibly healthy population. It had not been previously curated by ICSL or reported in the Human Gene Mutation Database (HGMD: prior to June 1st, 2018), and was therefore a candidate for classification through an automated scoring system. Utilizing variant allele frequency, disease prevalence and penetrance estimates, and inheritance mode, an automated score was calculated to assess if this variant is too frequent to cause the disease. Based on the score and internal cut-off values, a variant classified as benign is not then subjected to further curation. The score for this variant resulted in a classification of benign for this disease.

Illumina Laboratory Services, Illumina
Classification: Benign for Myopathy, myofibrillar, 9, with early respiratory failure. Last evaluated: 2018-01-12. Review status: criteria provided, single submitter. Criteria: ICSL Variant Classification Criteria 13 December 2019. Collection method: clinical testing. Allele origin: germline.
Comment: the same text as in the submission from Illumina Laboratory Services, Illumina above.

Illumina Laboratory Services, Illumina
Classification: Uncertain significance for Autosomal recessive limb-girdle muscular dystrophy type 2J. Last evaluated: 2018-01-12. Review status: criteria provided, single submitter. Criteria: ICSL Variant Classification Criteria 13 December 2019. Collection method: clinical testing. Allele origin: germline.

Illumina Laboratory Services, Illumina
Classification: Uncertain significance for Dilated cardiomyopathy 1G. Last evaluated: 2018-01-12. Review status: criteria provided, single submitter. Criteria: ICSL Variant Classification Criteria 13 December 2019. Collection method: clinical testing. Allele origin: germline.

Labcorp Genetics (formerly Invitae), Labcorp
Classification: Uncertain significance for Dilated cardiomyopathy 1G; Autosomal recessive limb-girdle muscular dystrophy type 2J. Last evaluated: 2017-09-15. Review status: criteria provided, single submitter. Criteria: Invitae Variant Classification Sherloc (09022015). Collection method: clinical testing. Allele origin: germline.

Eurofins Ntd Llc (ga)
Classification: Uncertain significance. Last evaluated: 2017-04-06. Review status: criteria provided, single submitter. Criteria: EGL Classification Definitions 2015. Collection method: clinical testing. Allele origin: germline. Observed: 2 variant alleles, 2 heterozygotes.

Laboratory for Molecular Medicine, Mass General Brigham Personalized Medicine
Classification: Likely benign. Last evaluated: 2014-01-22. Review status: criteria provided, single submitter. Criteria: LMM Criteria. Collection method: clinical testing. Allele origin: germline. Observed: 1 variant allele.
Comment: Ala33039Val in exon 309 of TTN: This variant is not expected to have clinical si gnificance due to a lack of evolutionary conservation, specifically in mammals. Of note, 3 mammals (bat, microbat, and big brown bat) have a valine (Val) at thi s position despite high nearby amino acid conservation, suggesting that this cha nge is tolerated. This variant has also been identified in 2/8252 European Ameri can chromosomes by the NHLBI Exome Sequencing Project (. edu/EVS/; dbSNP rs377337528).

Literature cited by the submitters: PubMed 28045975 (cited by Ambry Genetics).

NM_001267550.2(TTN):c.106820C>T (p.Ala35607Val)

Genes: TTN (titin; minus strand), TTN-AS1 (TTN antisense RNA 1; plus strand). Cytogenetic location: 2q31.2.
Variant type: single nucleotide variant.
Coding change: c.106820C>T on transcript NM_001267550.2 (MANE Select); coding-DNA position 106820, C replaced by T.
Protein change: p.Ala35607Val; replaces alanine 35607 with valine.
Molecular consequence: missense variant.
Genome position (GRCh38, 1-based): chr2:178,528,931, G>A on the plus strand (C>T on the coding strand, the complement: TTN is on the minus strand). VCF-style: chr2-178528931-G-A. GRCh37 (hg19) VCF-style: chr2-179393658-G-A.
Other names: p.A33966V:GCT>GTT; c.79625C>T, p.Ala26542Val (NM_003319.4); c.80000C>T, p.Ala26667Val (NM_133432.3); c.80201C>T, p.Ala26734Val (NM_133437.4); c.101897C>T, p.Ala33966Val (NM_001256850.1); c.99116C>T, p.Ala33039Val (NM_133378.4); short protein forms A33039V, A35607V, A33966V, A26542V, A26667V, A26734V.
Identifiers: ClinVar variation 179036 (VCV000179036.44), dbSNP rs377337528, ClinGen allele CA183576.